The following is an entry in ClinVar:

NM_015092.5(SMG1):c.4707A>G (p.Ile1569Met)

Gene: SMG1 (SMG1 nonsense mediated mRNA decay associated PI3K related kinase; minus strand). Cytogenetic location: 16p12.3.
Variant type: single nucleotide variant.
Coding change: c.4707A>G on transcript NM_015092.5 (MANE Select); coding-DNA position 4707, A replaced by G.
Protein change: p.Ile1569Met; replaces isoleucine 1569 with methionine.
Molecular consequence: missense variant.
Genome position (GRCh38, 1-based): chr16:18,853,644, T>C on the plus strand (A>G on the coding strand, the complement: SMG1 is on the minus strand). VCF-style: chr16-18853644-T-C. GRCh37 (hg19) VCF-style: chr16-18864966-T-C.
Other names: short protein forms I1569M.
Identifiers: ClinVar variation 3896545 (VCV003896545.2).

ClinVar aggregate classification (germline): Uncertain significance (1 of 4 stars; one submission).

gnomAD v4.1: 2 of 1,611,430 alleles (0.00012%); highest among the groups gnomAD compares: Non-Finnish European, 0.00017%; no homozygotes.

Submission:

Women's Health and Genetics/Laboratory Corporation of America, LabCorp
Classification: Uncertain significance. Last evaluated: 2025-04-02. Review status: criteria provided, single submitter. Criteria: LabCorp Variant Classification Summary - May 2015. Collection method: clinical testing. Allele origin: germline.
Comment: Variant summary: SMG1 c.4707A>G (p.Ile1569Met) results in a conservative amino acid change in the encoded protein sequence. Four of four in-silico tools predict a benign effect of the variant on protein function. The variant was absent in 244226 control chromosomes. The available data on variant occurrences in the general population are insufficient to allow any conclusion about variant significance. To our knowledge, no occurrence of c.4707A>G in individuals affected with SMG1-Related Disorders and no experimental evidence demonstrating its impact on protein function have been reported. No submitters have cited clinical-significance assessments for this variant to ClinVar. Based on the evidence outlined above, the variant was classified as uncertain significance.